The following is an entry in ClinVar:

ClinVar aggregate classification (germline): Uncertain significance (1 of 4 stars; one submission).

gnomAD v4.1: 1 of 1,480,530 alleles (0.000068%); highest among the groups gnomAD compares: Non-Finnish European, 0.000089%; no homozygotes.

Submission:

CeGaT Center for Human Genetics Tuebingen
Classification: Uncertain significance. Last evaluated: 2023-08-01. Review status: criteria provided, single submitter. Criteria: CeGaT Center For Human Genetics Tuebingen Variant Classification Criteria Version 2. Collection method: clinical testing. Allele origin: germline. Affected: yes. Observed: 1 variant allele.
Comment: FKRP: PM2, PM3, PP3

NM_024301.5(FKRP):c.689G>T (p.Gly230Val)

Gene: FKRP (fukutin related protein; plus strand). Cytogenetic location: 19q13.32.
Variant type: single nucleotide variant.
Coding change: c.689G>T on transcript NM_024301.5 (MANE Select); coding-DNA position 689, G replaced by T.
Protein change: p.Gly230Val; replaces glycine 230 with valine.
Molecular consequence: missense variant.
Genome position (GRCh38, 1-based): chr19:46,756,139, G>T. VCF-style: chr19-46756139-G-T. GRCh37 (hg19) VCF-style: chr19-47259396-G-T.
Other names: c.689G>T, p.Gly230Val (NM_001039885.3); short protein forms G230V.
Identifiers: ClinVar variation 2578833 (VCV002578833.25), dbSNP rs1599936529, ClinGen allele CA406495812.
Genomic context (GRCh38, chr19:46,756,139, plus strand): 5'-TCTCGGCGCCCCTGGCCCGGCCGGTGGGCACCAGCCTCTTTCTGCAGACCGCCCTTCGCG[G>T]CTGGGCGGTGCAGCTGCTGGACTTGACCTTCGCCGCGGCGCGCCAGCCCCCGCTGGCCAC-3'
Protein context (NP_077277.1, residues 220-240): TSLFLQTALR[Gly230Val]WAVQLLDLTF